The following is an entry in ClinVar:

NM_005993.5(TBCD):c.3399C>T (p.Tyr1133=)

Gene: TBCD (tubulin folding cofactor D). Cytogenetic location: 17q25.3.
Variant type: single nucleotide variant.
Coding change: c.3399C>T on transcript NM_005993.5 (MANE Select); coding-DNA position 3399, C replaced by T.
Protein change: p.Tyr1133=; no amino-acid change (tyrosine 1133 retained).
Molecular consequence: synonymous variant.
Genome position (GRCh38, 1-based): chr17:82,939,396, C>T. VCF-style: chr17-82939396-C-T. GRCh37 (hg19) VCF-style: chr17-80897272-C-T.
Other names: c.3348C>T, p.Tyr1116= (NM_001411101.1); c.3318C>T, p.Tyr1106= (NM_001411102.1); c.3399C>T (NM_005993.4).
Identifiers: ClinVar variation 2889625 (VCV002889625.4), dbSNP rs192624334, ClinGen allele CA8863621.

ClinVar aggregate classification (germline): Likely benign. Review status: criteria provided, single submitter (1 of 4 stars). 2 submissions from 2 submitters: Likely benign (1). 1 of the submissions does not count toward it. Last evaluated 2024-10-14.

Conditions:
TBCD-related disorder. Also called: TBCD-related condition.

Allele frequency attached by ClinVar (database versions not stated): ExAC 0.00002; gnomAD exomes 0.00002; gnomAD 0.00005; ESP Exome Variant Server 0.00008.
gnomAD v4.1: 35 of 1,612,994 alleles (0.0022%); highest among the groups gnomAD compares: East Asian, 0.013%; no homozygotes.

Submissions (2):

Labcorp Genetics (formerly Invitae), Labcorp
Classification: Likely benign. Last evaluated: 2024-10-14. Review status: criteria provided, single submitter. Criteria: Invitae Variant Classification Sherloc (09022015). Collection method: clinical testing. Allele origin: germline.

PreventionGenetics, part of Exact Sciences
Classification: Likely benign for TBCD-related condition. Last evaluated: 2024-06-03. Review status: no assertion criteria provided. Collection method: clinical testing. Allele origin: germline. Not counted in ClinVar's aggregate classification.
Comment: This variant is classified as likely benign based on ACMG/AMP sequence variant interpretation guidelines (Richards et al. 2015 PMID: 25741868, with internal and published modifications).